The following is an entry in ClinVar:

NM_015102.5(NPHP4):c.3845C>T (p.Pro1282Leu)

Gene: NPHP4 (nephrocystin 4; minus strand). Cytogenetic location: 1p36.31.
Variant type: single nucleotide variant.
Coding change: c.3845C>T on transcript NM_015102.5 (MANE Select); coding-DNA position 3845, C replaced by T.
Protein change: p.Pro1282Leu; replaces proline 1282 with leucine.
Molecular consequence: missense variant. On other transcripts: non-coding transcript variant (1).
Genome position (GRCh38, 1-based): chr1:5,864,489, G>A on the plus strand (C>T on the coding strand, the complement: NPHP4 is on the minus strand). VCF-style: chr1-5864489-G-A. GRCh37 (hg19) VCF-style: chr1-5924549-G-A.
Other names: c.2306C>T, p.Pro769Leu (NM_001291593.2); c.2309C>T, p.Pro770Leu (NM_001291594.2); c.3845C>T (NM_015102.4, NM_015102.3); short protein forms P1282L, P769L, P770L.
Identifiers: ClinVar variation 1019647 (VCV001019647.8), dbSNP rs752820537, ClinGen allele CA553441.

ClinVar aggregate classification (germline): Uncertain significance. Review status: criteria provided, multiple submitters, no conflicts (2 of 4 stars). 3 submissions from 3 submitters: Uncertain significance (2). 1 of the submissions does not count toward it. Last evaluated 2025-09-25.

Conditions:
Inborn genetic diseases. Identifiers: MedGen C0950123, MeSH D030342.
Nephronophthisis. Also called: Juvenile Nephronophthisis. Identifiers: Orphanet 655, MedGen C0687120, MONDO:0019005, HP:0000090.
NPHP4-related disorder. Also called: NPHP4-related condition; NPHP4-related disorders. Identifiers: MedGen CN239384.

Allele frequency attached by ClinVar (database versions not stated): ExAC 0.00002; TOPMed 0.00001; gnomAD 0.00001; gnomAD exomes 0.00001.
gnomAD v4.1: 14 of 1,592,912 alleles (0.00088%); highest among the groups gnomAD compares: Middle Eastern, 0.017%; no homozygotes.

Submissions (3):

Ambry Genetics
Classification: Uncertain significance for Inborn genetic diseases. Last evaluated: 2025-09-25. Review status: criteria provided, single submitter. Criteria: Ambry Variant Classification Scheme 2023. Collection method: clinical testing. Allele origin: germline.

Labcorp Genetics (formerly Invitae), Labcorp
Classification: Uncertain significance for Nephronophthisis. Last evaluated: 2024-02-24. Review status: criteria provided, single submitter. Criteria: Invitae Variant Classification Sherloc (09022015). Collection method: clinical testing. Allele origin: germline.
Comment: This sequence change replaces proline, which is neutral and non-polar, with leucine, which is neutral and non-polar, at codon 1282 of the NPHP4 protein (p.Pro1282Leu). The frequency data for this variant in the population databases is considered unreliable, as metrics indicate poor data quality at this position in the gnomAD database. This variant has not been reported in the literature in individuals affected with NPHP4-related conditions. ClinVar contains an entry for this variant (Variation ID: 1019647). Advanced modeling of protein sequence and biophysical properties (such as structural, functional, and spatial information, amino acid conservation, physicochemical variation, residue mobility, and thermodynamic stability) performed at Invitae indicates that this missense variant is expected to disrupt NPHP4 protein function with a positive predictive value of 80%. In summary, the available evidence is currently insufficient to determine the role of this variant in disease. Therefore, it has been classified as a Variant of Uncertain Significance.

PreventionGenetics, part of Exact Sciences
Classification: Uncertain significance for NPHP4-related condition. Last evaluated: 2024-09-03. Review status: no assertion criteria provided. Collection method: clinical testing. Allele origin: germline. Not counted in ClinVar's aggregate classification.
Comment: The NPHP4 c.3845C>T variant is predicted to result in the amino acid substitution p.Pro1282Leu. To our knowledge, this variant has not been reported in the literature. This variant is reported in 0.0010% of alleles in individuals of European (Non-Finnish) descent in gnomAD. At this time, the clinical significance of this variant is uncertain due to the absence of conclusive functional and genetic evidence.